The following is an entry in ClinVar:

ClinVar aggregate classification (germline): Uncertain significance. Review status: criteria provided, multiple submitters, no conflicts (2 of 4 stars). 2 submissions from 2 submitters: Uncertain significance (2). Last evaluated 2025-08-20.

Submissions (2):

Labcorp Genetics (formerly Invitae), Labcorp
Classification: Uncertain significance. Last evaluated: 2025-08-20. Review status: criteria provided, single submitter. Criteria: Invitae Variant Classification Sherloc (09022015). Collection method: clinical testing. Allele origin: germline.
Comment: This sequence change replaces cysteine, which is neutral and slightly polar, with arginine, which is basic and polar, at codon 769 of the BUB1 protein (p.Cys769Arg). This variant is not present in population databases (gnomAD no frequency). This variant has not been reported in the literature in individuals affected with BUB1-related conditions. ClinVar contains an entry for this variant (Variation ID: 1789353). Experimental studies and prediction algorithms are not available or were not evaluated, and the functional significance of this variant is currently unknown. In summary, the available evidence is currently insufficient to determine the role of this variant in disease. Therefore, it has been classified as a Variant of Uncertain Significance.

Ambry Genetics
Classification: Uncertain significance. Last evaluated: 2022-01-13. Review status: criteria provided, single submitter. Criteria: Ambry Variant Classification Scheme 2023. Collection method: clinical testing. Allele origin: germline.
Comment: The p.C769R variant (also known as c.2305T>C), located in coding exon 19 of the BUB1 gene, results from a T to C substitution at nucleotide position 2305. The cysteine at codon 769 is replaced by arginine, an amino acid with highly dissimilar properties. This amino acid position is conserved. In addition, this alteration is predicted to be tolerated by in silico analysis. Since supporting evidence is limited at this time, the clinical significance of this alteration remains unclear.

NM_004336.5(BUB1):c.2305T>C (p.Cys769Arg)

Gene: BUB1 (BUB1 mitotic checkpoint serine/threonine kinase; minus strand). Cytogenetic location: 2q13.
Variant type: single nucleotide variant.
Coding change: c.2305T>C on transcript NM_004336.5 (MANE Select); coding-DNA position 2305, T replaced by C.
Protein change: p.Cys769Arg; replaces cysteine 769 with arginine.
Molecular consequence: missense variant.
Genome position (GRCh38, 1-based): chr2:110,649,276, A>G on the plus strand (T>C on the coding strand, the complement: BUB1 is on the minus strand). VCF-style: chr2-110649276-A-G. GRCh37 (hg19) VCF-style: chr2-111406853-A-G.
Other names: c.2245T>C, p.Cys749Arg (NM_001278616.2); c.2305T>C, p.Cys769Arg (NM_001278617.2); short protein forms C749R, C769R.
Identifiers: ClinVar variation 1789353 (VCV001789353.3), dbSNP rs2467987181, ClinGen allele CA348209443.